The following is an entry in ClinVar:

NM_139058.3(ARX):c.1589C>G (p.Ser530Cys)

Gene: ARX (aristaless related homeobox; minus strand). Cytogenetic location: Xp21.3.
Variant type: single nucleotide variant.
Coding change: c.1589C>G on transcript NM_139058.3 (MANE Select); coding-DNA position 1589, C replaced by G.
Protein change: p.Ser530Cys; replaces serine 530 with cysteine.
Molecular consequence: missense variant.
Genome position (GRCh38, 1-based): chrX:25,004,770, G>C on the plus strand (C>G on the coding strand, the complement: ARX is on the minus strand). VCF-style: chrX-25004770-G-C. GRCh37 (hg19) VCF-style: chrX-25022887-G-C.
Other names: short protein forms S530C.
Identifiers: ClinVar variation 870181 (VCV000870181.2), dbSNP rs2048669628, ClinGen allele CA412610699.

ClinVar aggregate classification (germline): Uncertain significance. Review status: criteria provided, multiple submitters, no conflicts (2 of 4 stars). 2 submissions from 2 submitters: Uncertain significance (2). Last evaluated 2022-09-23.

Conditions:
Developmental and epileptic encephalopathy, 1 (DEE1). Also called: X-linked infantile spasms; West's syndrome; Tonic spasms with clustering, arrest of psychomotor development and hypsarrhythmia on EEG; X-Linked Infantile Spasm Syndrome; OHTAHARA SYNDROME, X-LINKED; INFANTILE SPASM SYNDROME, X-LINKED 1. Identifiers: MedGen C3463992, MONDO:0010632, OMIM 308350. Disease mechanism: loss of function.

Submissions (2):

Laboratorio de Genetica e Diagnostico Molecular, Hospital Israelita Albert Einstein
Classification: Uncertain significance for Developmental and epileptic encephalopathy, 1. Last evaluated: 2022-09-23. Review status: criteria provided, single submitter. Criteria: ACMG Guidelines, 2015. Collection method: clinical testing. Allele origin: germline. Affected: yes. Observed: 1 variant allele.
Comment: ACMG classification criteria: PM2 moderated, PP3 supporting

Laboratory of Inherited Metabolic Diseases, Research centre for medical genetics
Classification: Uncertain significance for Developmental and epileptic encephalopathy, 1. Last evaluated: 2020-02-14. Review status: criteria provided, single submitter. Criteria: ACMG Guidelines, 2015. Collection method: clinical testing. Allele origin: unknown. Inheritance: X-linked inheritance. Affected: yes.